The following is an entry in ClinVar:

ClinVar aggregate classification (germline): Uncertain significance. Review status: criteria provided, multiple submitters, no conflicts (2 of 4 stars). 2 submissions from 2 submitters: Uncertain significance (2). Last evaluated 2025-09-11.

Conditions:
Hereditary cancer-predisposing syndrome. Also called: Neoplastic Syndromes, Hereditary; Tumor predisposition; Hereditary Cancer Syndrome; Hereditary neoplastic syndrome. Identifiers: Orphanet 140162, MedGen C0027672, MeSH D009386, MONDO:0015356.

Submissions (2):

Dasa
Classification: Uncertain significance. Last evaluated: 2025-09-11. Review status: criteria provided, single submitter. Criteria: DASA Assertion Criteria. Collection method: clinical testing. Allele origin: germline.
Comment: NM_000535.7(PMS2):c.55G>A (p.Asp19Asn) is a missense variant that results in the substitution of aspartic acid with asparagine. This variant is absent from population databases. Computational prediction algorithms are consistent with a deleterious effect. The currently available literature and clinical evidence are not sufficient to establish a definitive association between this variant and the reported condition. Therefore, this variant is classified as a variant of uncertain significance.

Ambry Genetics
Classification: Uncertain significance for Hereditary cancer-predisposing syndrome. Last evaluated: 2019-10-18. Review status: criteria provided, single submitter. Criteria: Ambry Variant Classification Scheme 2023. Collection method: clinical testing. Allele origin: germline.
Comment: The p.D19N variant (also known as c.55G>A), located in coding exon 2 of the PMS2 gene, results from a G to A substitution at nucleotide position 55. The aspartic acid at codon 19 is replaced by asparagine, an amino acid with highly similar properties. This amino acid position is highly conserved in available vertebrate species. In addition, the in silico prediction for this alteration is inconclusive. Since supporting evidence is limited at this time, the clinical significance of this alteration remains unclear.

NM_000535.7(PMS2):c.55G>A (p.Asp19Asn)

Gene: PMS2 (PMS1 homolog 2, mismatch repair system component; minus strand). Cytogenetic location: 7p22.1.
Variant type: single nucleotide variant.
Coding change: c.55G>A on transcript NM_000535.7 (MANE Select); coding-DNA position 55, G replaced by A.
Protein change: p.Asp19Asn; replaces aspartic acid 19 with asparagine.
Molecular consequence: missense variant. On other transcripts: 5 prime UTR variant (8), non-coding transcript variant (1), intron variant (3).
Genome position (GRCh38, 1-based): chr7:6,006,000, C>T on the plus strand (G>A on the coding strand, the complement: PMS2 is on the minus strand). VCF-style: chr7-6006000-C-T. GRCh37 (hg19) VCF-style: chr7-6045631-C-T.
Other names: c.-351G>A (NM_001018040.1, NM_001322003.2, NM_001322005.2 and 11 more transcripts); c.55G>A, p.Asp19Asn (NM_001322006.2, NM_001406873.1, NM_001406874.1 and 10 more transcripts); c.-161G>A (NM_001322007.2, NM_001406876.1, NM_001406883.1 and 4 more transcripts); c.-430G>A (NM_001406875.1, NM_001406877.1, NM_001406878.1 and 2 more transcripts); c.-377G>A (NM_001406880.1); c.-298G>A (NM_001406888.1, NM_001406889.1, NM_001406892.1 and 5 more transcripts); c.-341G>A (NM_001406890.1); c.-327G>A (NM_001406900.1); and 4 more; short protein forms D19N, D81N.
Identifiers: ClinVar variation 1748563 (VCV001748563.4), dbSNP rs1554306568, ClinGen allele CA366745146.